The following is an entry in ClinVar:

ClinVar aggregate classification (germline): Uncertain significance. Review status: criteria provided, multiple submitters, no conflicts (2 of 4 stars). 3 submissions from 3 submitters: Uncertain significance (3). Last evaluated 2023-05-15.

Conditions:
Inborn genetic diseases. Identifiers: MedGen C0950123, MeSH D030342.
Autosomal recessive limb-girdle muscular dystrophy type 2X (LGMDR25). Also called: Muscular dystrophy, limb-girdle, type 2X. Identifiers: Orphanet 476084, MedGen C5568138, MONDO:0014782, OMIM 616812.

Allele frequency attached by ClinVar (database versions not stated): TOPMed 0.00014; gnomAD 0.00016; ExAC 0.00030; ESP Exome Variant Server 0.00038; gnomAD exomes 0.00041.
gnomAD v4.1: 610 of 1,613,976 alleles (0.038%); highest among the groups gnomAD compares: Non-Finnish European, 0.05%; no homozygotes.

Submissions (3):

Mayo Clinic Laboratories, Mayo Clinic
Classification: Uncertain significance. Last evaluated: 2023-05-15. Review status: criteria provided, single submitter. Criteria: ACMG Guidelines, 2015. Collection method: clinical testing. Allele origin: germline. Observed: 1 variant allele.
Comment: BP4

Ambry Genetics
Classification: Uncertain significance for Inborn genetic diseases. Last evaluated: 2022-06-24. Review status: criteria provided, single submitter. Criteria: Ambry Variant Classification Scheme 2023. Collection method: clinical testing. Allele origin: germline.

Revvity Omics, Revvity
Classification: Uncertain significance for Autosomal recessive limb-girdle muscular dystrophy type 2X. Last evaluated: 2019-08-05. Review status: criteria provided, single submitter. Criteria: ACMG Guidelines, 2015. Collection method: clinical testing. Allele origin: germline.

NM_001199563.2(POPDC1):c.386G>A (p.Arg129Gln)

Gene: POPDC1 (popeye domain cAMP effector 1; minus strand). Cytogenetic location: 6q21.
Variant type: single nucleotide variant.
Coding change: c.386G>A on transcript NM_001199563.2 (MANE Select); coding-DNA position 386, G replaced by A.
Protein change: p.Arg129Gln; replaces arginine 129 with glutamine.
Molecular consequence: missense variant.
Genome position (GRCh38, 1-based): chr6:105,125,544, C>T on the plus strand (G>A on the coding strand, the complement: POPDC1 is on the minus strand). VCF-style: chr6-105125544-C-T. GRCh37 (hg19) VCF-style: chr6-105573419-C-T.
Other names: p.Arg129Gln; c.386G>A, p.Arg129Gln (NM_007073.4, NM_147147.4); short protein forms R129Q.
Identifiers: ClinVar variation 2352385 (VCV002352385.6), dbSNP rs148128379, ClinGen allele CA3941068.